The following is an entry in ClinVar:

ClinVar aggregate classification (germline): Benign/Likely benign. Review status: criteria provided, multiple submitters, no conflicts (2 of 4 stars). 4 submissions from 4 submitters: Benign (2); Likely benign (2). Last evaluated 2026-02-03.

Conditions:
Neuroblastoma, susceptibility to, 3. Also called: ALK-Related Neuroblastic Tumor Susceptibility. Identifiers: Orphanet 635, MedGen C2751681, MONDO:0013083, OMIM 613014.

Allele frequency attached by ClinVar (database versions not stated): 1000 Genomes Project 0.00200; 1000 Genomes Project 30x 0.00203; TOPMed 0.00359; gnomAD 0.00395 and 0.00409; ESP Exome Variant Server 0.00469; gnomAD exomes 0.00482 and 0.00575; ExAC 0.00558.
gnomAD v4.1: 8,876 of 1,613,060 alleles (0.55%); highest among the groups gnomAD compares: Non-Finnish European, 0.66%; 26 homozygotes.

Submissions (4):

Labcorp Genetics (formerly Invitae), Labcorp
Classification: Benign for Neuroblastoma, susceptibility to, 3. Last evaluated: 2026-02-03. Review status: criteria provided, single submitter. Criteria: Invitae Variant Classification Sherloc (09022015). Collection method: clinical testing. Allele origin: germline.

Blueprint Genetics
Classification: Likely benign. Last evaluated: 2024-11-25. Review status: criteria provided, single submitter. Criteria: ACMG Guidelines, 2015. Collection method: clinical testing. Allele origin: germline.

ARUP Laboratories, Molecular Genetics and Genomics, ARUP Laboratories
Classification: Benign for Neuroblastoma, susceptibility to, 3. Last evaluated: 2023-06-29. Review status: criteria provided, single submitter. Criteria: ARUP Molecular Germline Variant Investigation Process 2024. Collection method: clinical testing. Allele origin: germline.

GeneDx
Classification: Likely benign. Last evaluated: 2017-06-26. Review status: criteria provided, single submitter. Criteria: GeneDx Variant Classification (06012015). Collection method: clinical testing. Allele origin: germline. Affected: yes.
Comment: This variant is considered likely benign or benign based on one or more of the following criteria: it is a conservative change, it occurs at a poorly conserved position in the protein, it is predicted to be benign by multiple in silico algorithms, and/or has population frequency not consistent with disease.

NM_004304.5(ALK):c.3515+18C>T

Gene: ALK (ALK receptor tyrosine kinase; minus strand). Cytogenetic location: 2p23.2.
Variant type: single nucleotide variant.
Coding change: c.3515+18C>T on transcript NM_004304.5 (MANE Select); 18 bases into the intron after coding-DNA position 3515, C replaced by T.
Molecular consequence: intron variant.
Genome position (GRCh38, 1-based): chr2:29,222,326, G>A on the plus strand (C>T on the coding strand, the complement: ALK is on the minus strand). VCF-style: chr2-29222326-G-A. GRCh37 (hg19) VCF-style: chr2-29445192-G-A.
Other names: c.311+18C>T (NM_001353765.2).
Identifiers: ClinVar variation 516594 (VCV000516594.12), dbSNP rs79325200, ClinGen allele CA1593918.